The following is an entry in ClinVar:

NM_000535.7(PMS2):c.65C>G (p.Ser22Ter)

Gene: PMS2 (PMS1 homolog 2, mismatch repair system component; minus strand). Cytogenetic location: 7p22.1.
Variant type: single nucleotide variant.
Coding change: c.65C>G on transcript NM_000535.7 (MANE Select); coding-DNA position 65, C replaced by G.
Protein change: p.Ser22Ter; replaces serine 22 with a stop codon.
Molecular consequence: nonsense. On other transcripts: 5 prime UTR variant (8), non-coding transcript variant (1), intron variant (3).
Genome position (GRCh38, 1-based): chr7:6,005,990, G>C on the plus strand (C>G on the coding strand, the complement: PMS2 is on the minus strand). VCF-style: chr7-6005990-G-C. GRCh37 (hg19) VCF-style: chr7-6045621-G-C.
Other names: c.-341C>G (NM_001322003.2, NM_001322005.2, NM_001322009.2 and 1 more transcripts); c.65C>G, p.Ser22Ter (NM_001322006.2, NM_001322014.2); c.-151C>G (NM_001322007.2); c.-820C>G (NM_001322011.2, NM_001322012.2); c.-420C>G (NM_001322015.2); c.-52-1932C>G (NM_001322008.2); c.-242-1932C>G (NM_001322010.2, NM_001322004.2); short protein forms S22*.
Identifiers: ClinVar variation 960049 (VCV000960049.12), dbSNP rs767028531, ClinGen allele CA366745128.
Genomic context (GRCh38, chr7:6,005,990, plus strand): 5'-AACTCCTTTACCGCAGTGCTTAGACTCAGTACCACCTGCCCAGAGCAAATCTGATGGACT[G>C]ACTTCCGATCAATAGGTTTGATGGCCTTAGCAGGTTCTGTACTAGAGAAATCAGTTACAA-3'

ClinVar aggregate classification (germline): Pathogenic/Likely pathogenic. Review status: criteria provided, multiple submitters, no conflicts (2 of 4 stars). 4 submissions from 4 submitters: Pathogenic (3); Likely pathogenic (1). Last evaluated 2025-01-28.

Conditions:
Hereditary cancer-predisposing syndrome. Also called: Neoplastic Syndromes, Hereditary; Tumor predisposition; Hereditary neoplastic syndrome; Hereditary Cancer Syndrome. Identifiers: Orphanet 140162, MedGen C0027672, MeSH D009386, MONDO:0015356.
PMS2-related disorder. Also called: PMS2-related condition.
Hereditary nonpolyposis colorectal neoplasms. Identifiers: MedGen C0009405, MeSH D003123.
Lynch syndrome 4 (LYNCH4). Also called: Hereditary non-polyposis colorectal cancer, type 4; Colorectal cancer, hereditary nonpolyposis, type 4. Identifiers: Orphanet 144, MedGen C1838333, MONDO:0013699, OMIM 614337. Disease mechanism: loss of function.

Submissions (4):

Labcorp Genetics (formerly Invitae), Labcorp
Classification: Pathogenic for Hereditary nonpolyposis colorectal neoplasms. Last evaluated: 2025-01-28. Review status: criteria provided, single submitter. Criteria: Invitae Variant Classification Sherloc (09022015). Collection method: clinical testing. Allele origin: germline.
Comment: This sequence change creates a premature translational stop signal (p.Ser22*) in the PMS2 gene. It is expected to result in an absent or disrupted protein product. Loss-of-function variants in PMS2 are known to be pathogenic (PMID: 21376568, 24362816). This variant is not present in population databases (gnomAD no frequency). This variant has not been reported in the literature in individuals affected with PMS2-related conditions. ClinVar contains an entry for this variant (Variation ID: 960049). For these reasons, this variant has been classified as Pathogenic.

Blueprint Genetics
Classification: Likely pathogenic for PMS2-related disorders. Last evaluated: 2024-10-28. Review status: criteria provided, single submitter. Criteria: ACMG Guidelines, 2015. Collection method: clinical testing. Allele origin: germline. Affected: yes. Observed: 1 variant allele.

Myriad Genetics, Inc.
Classification: Pathogenic for Lynch syndrome 4. Last evaluated: 2023-09-18. Review status: criteria provided, single submitter. Criteria: Myriad Autosomal Dominant, Autosomal Recessive and X-Linked Classification Criteria (2023). Collection method: clinical testing. Allele origin: unknown.
Comment: This variant is considered pathogenic. This variant creates a termination codon and is predicted to result in premature protein truncation.

Ambry Genetics
Classification: Pathogenic for Hereditary cancer-predisposing syndrome. Last evaluated: 2015-04-02. Review status: criteria provided, single submitter. Criteria: Ambry Variant Classification Scheme 2023. Collection method: clinical testing. Allele origin: germline.
Comment: The p.S22* pathogenic mutation (also known as c.65C>G), located in coding exon 2 of the PMS2 gene, results from a C to G substitution at nucleotide position 65. This changes the amino acid from a serine to a stop codon within coding exon 2. A different substitution resulting in the same stop codon (c.65C>A) was reported along with another PMS2 mutation in a patient with a CMMR-D phenotype (Li J et al. J. Mol. Diagn. 2015 Sep;17:545-53). In addition to the clinical data presented in the literature, this alteration is expected to result in loss of function by premature protein truncation or nonsense-mediated mRNA decay. As such, this alteration is interpreted as a disease-causing mutation.

Literature cited by the submitters: PubMed 21376568 (cited by Labcorp Genetics (formerly Invitae), Labcorp); PubMed 24362816 (cited by Labcorp Genetics (formerly Invitae), Labcorp); PubMed 26320870 (cited by Ambry Genetics).